The following is an entry in ClinVar:

ClinVar aggregate classification (germline): Pathogenic (1 of 4 stars; one submission).

Conditions:
Hepatorenocardiac degenerative fibrosis. Identifiers: MedGen C5676996, MONDO:0859254, OMIM 619902.

Submission:

3billion
Classification: Pathogenic for Hepatorenocardiac degenerative fibrosis. Last evaluated: 2023-02-23. Review status: criteria provided, single submitter. Criteria: ACMG Guidelines, 2015. Collection method: clinical testing. Allele origin: unknown. Affected: yes.
Comment: The variant is not observed in the gnomAD v2.1.1 dataset. This variant was predicted to alter splicing and result in a loss or disruption of normal protein function. Multiple pathogenic loss-of-function variants are reported downstream of the variant. Therefore, this variant is classified as Likely Pathogenic according to the recommendation of ACMG/AMP guideline.

NM_003324.5(TULP3):c.809+2T>C

Gene: TULP3 (TUB like protein 3; plus strand). Cytogenetic location: 12p13.33.
Variant type: single nucleotide variant.
Coding change: c.809+2T>C on transcript NM_003324.5 (MANE Select); the canonical splice donor site of the intron after coding-DNA position 809, T replaced by C.
Molecular consequence: splice donor variant.
Genome position (GRCh38, 1-based): chr12:2,933,532, T>C. VCF-style: chr12-2933532-T-C. GRCh37 (hg19) VCF-style: chr12-3042698-T-C.
Other names: c.809+2T>C (NM_001160408.2).
Identifiers: ClinVar variation 2444270 (VCV002444270.1), dbSNP rs2536387265, ClinGen allele CA383390083.